The following is an entry in ClinVar:

ClinVar aggregate classification (germline): Benign (1 of 4 stars; one submission).

Allele frequency attached by ClinVar (database versions not stated): TOPMed 0.02093; gnomAD 0.02188 and 0.02317; 1000 Genomes Project 30x 0.03420; 1000 Genomes Project 0.03634.
gnomAD v4.1: 3,528 of 151,990 alleles (2.3%); highest among the groups gnomAD compares: East Asian, 9.6%; 73 homozygotes.

Submission:

GeneDx
Classification: Benign. Last evaluated: 2018-06-14. Review status: criteria provided, single submitter. Criteria: GeneDx Variant Classification (06012015). Collection method: clinical testing. Allele origin: germline. Affected: yes.
Comment: This variant is considered likely benign or benign based on one or more of the following criteria: it is a conservative change, it occurs at a poorly conserved position in the protein, it is predicted to be benign by multiple in silico algorithms, and/or has population frequency not consistent with disease.

NM_001267550.2(TTN):c.44913+259T>A

Gene: TTN (titin; minus strand). Cytogenetic location: 2q31.2.
Variant type: single nucleotide variant.
Coding change: c.44913+259T>A on transcript NM_001267550.2 (MANE Select); 259 bases into the intron after coding-DNA position 44913, T replaced by A.
Molecular consequence: intron variant.
Genome position (GRCh38, 1-based): chr2:178,622,411, A>T on the plus strand (T>A on the coding strand, the complement: TTN is on the minus strand). VCF-style: chr2-178622411-A-T. GRCh37 (hg19) VCF-style: chr2-179487138-A-T.
Other names: c.17718+259T>A (NM_003319.4); c.18294+259T>A (NM_133437.4); c.18093+259T>A (NM_133432.3); c.37209+259T>A (NM_133378.4); c.39990+259T>A (NM_001256850.1).
Identifiers: ClinVar variation 680830 (VCV000680830.1), dbSNP rs72677219, ClinGen allele CA15165913.